The following is an entry in ClinVar:

NM_001042492.3(NF1):c.2603G>A (p.Gly868Asp)

Gene: NF1 (neurofibromin 1; plus strand). Cytogenetic location: 17q11.2.
Variant type: single nucleotide variant.
Coding change: c.2603G>A on transcript NM_001042492.3 (MANE Select); coding-DNA position 2603, G replaced by A.
Protein change: p.Gly868Asp; replaces glycine 868 with aspartic acid.
Molecular consequence: missense variant.
Genome position (GRCh38, 1-based): chr17:31,229,218, G>A. VCF-style: chr17-31229218-G-A. GRCh37 (hg19) VCF-style: chr17-29556236-G-A.
Other names: c.2603G>A, p.Gly868Asp (NM_000267.4); short protein forms G868D.
Identifiers: ClinVar variation 4025292 (VCV004025292.1).

ClinVar aggregate classification (germline): Uncertain significance (1 of 4 stars; one submission).

Conditions:
Cardiovascular phenotype. Identifiers: MedGen CN230736.
Hereditary cancer-predisposing syndrome. Also called: Tumor predisposition; Hereditary neoplastic syndrome; Neoplastic Syndromes, Hereditary; Hereditary Cancer Syndrome. Identifiers: Orphanet 140162, MedGen C0027672, MeSH D009386, MONDO:0015356.

Submission:

Ambry Genetics
Classification: Uncertain significance for Cardiovascular phenotype; Hereditary cancer-predisposing syndrome. Last evaluated: 2025-04-29. Review status: criteria provided, single submitter. Criteria: Ambry Variant Classification Scheme 2023. Collection method: clinical testing. Allele origin: germline.
Comment: The p.G868D variant (also known as c.2603G>A), located in coding exon 21 of the NF1 gene, results from a G to A substitution at nucleotide position 2603. The glycine at codon 868 is replaced by aspartic acid, an amino acid with similar properties. This amino acid position is conserved. In addition, the in silico prediction for this alteration is inconclusive. Based on the available evidence, the clinical significance of this variant remains unclear.